The following is an entry in ClinVar:

NM_014679.5(CEP57):c.242G>A (p.Arg81Gln)

Gene: CEP57 (centrosomal protein 57; plus strand). Cytogenetic location: 11q21.
Variant type: single nucleotide variant.
Coding change: c.242G>A on transcript NM_014679.5 (MANE Select); coding-DNA position 242, G replaced by A.
Protein change: p.Arg81Gln; replaces arginine 81 with glutamine.
Molecular consequence: missense variant.
Genome position (GRCh38, 1-based): chr11:95,812,971, G>A. VCF-style: chr11-95812971-G-A. GRCh37 (hg19) VCF-style: chr11-95546135-G-A.
Other names: c.215G>A, p.Arg72Gln (NM_001243776.2); c.242G>A, p.Arg81Gln (NM_001243777.2); c.161G>A, p.Arg54Gln (NM_001363604.2); short protein forms R81Q, R54Q, R72Q.
Identifiers: ClinVar variation 1424876 (VCV001424876.8), dbSNP rs1221295374, ClinGen allele CA382420102.

ClinVar aggregate classification (germline): Uncertain significance (1 of 4 stars; one submission).

Conditions:
Mosaic variegated aneuploidy syndrome 2 (MVA2). Identifiers: Orphanet 1052, MedGen C3279843, MONDO:0013582, OMIM 614114.

Allele frequency attached by ClinVar (database versions not stated): gnomAD exomes below 0.00001 and 0.00001; TOPMed below 0.00001; gnomAD 0.00001.
gnomAD v4.1: 8 of 1,613,766 alleles (0.0005%); highest among the groups gnomAD compares: East Asian, 0.0022%; no homozygotes.

Submission:

Labcorp Genetics (formerly Invitae), Labcorp
Classification: Uncertain significance for Mosaic variegated aneuploidy syndrome 2. Last evaluated: 2024-06-17. Review status: criteria provided, single submitter. Criteria: Invitae Variant Classification Sherloc (09022015). Collection method: clinical testing. Allele origin: germline.
Comment: This sequence change replaces arginine, which is basic and polar, with glutamine, which is neutral and polar, at codon 81 of the CEP57 protein (p.Arg81Gln). This variant is present in population databases (no rsID available, gnomAD 0.006%). This variant has not been reported in the literature in individuals affected with CEP57-related conditions. ClinVar contains an entry for this variant (Variation ID: 1424876). Advanced modeling of protein sequence and biophysical properties (such as structural, functional, and spatial information, amino acid conservation, physicochemical variation, residue mobility, and thermodynamic stability) performed at Invitae indicates that this missense variant is not expected to disrupt CEP57 protein function with a negative predictive value of 80%. In summary, the available evidence is currently insufficient to determine the role of this variant in disease. Therefore, it has been classified as a Variant of Uncertain Significance.